The following is an entry in ClinVar:

NM_018714.3(COG1):c.529A>G (p.Ile177Val)

Gene: COG1 (component of oligomeric golgi complex 1; plus strand). Cytogenetic location: 17q25.1.
Variant type: single nucleotide variant.
Coding change: c.529A>G on transcript NM_018714.3 (MANE Select); coding-DNA position 529, A replaced by G.
Protein change: p.Ile177Val; replaces isoleucine 177 with valine.
Molecular consequence: missense variant.
Genome position (GRCh38, 1-based): chr17:73,196,720, A>G. VCF-style: chr17-73196720-A-G. GRCh37 (hg19) VCF-style: chr17-71192859-A-G.
Other names: short protein forms I177V.
Identifiers: ClinVar variation 376973 (VCV000376973.16), dbSNP rs150001655, ClinGen allele CA8739981.
Genomic context (GRCh38, chr17:73,196,720, plus strand): 5'-CTCCAGCTGGATTCTTCTAGTTCCCGATACAGTCCCGTCCTCTCCCGGTTTCCTATACTC[A>G]TCCGGCAGGTGGCAGCCGCCAGCCACTTCCGGTAAGTGGATCCAGCGCAAAGAGCTGCTC-3'
Protein context (NP_061184.1, residues 167-187): SPVLSRFPIL[Ile177Val]RQVAAASHFR

ClinVar aggregate classification (germline): Benign/Likely benign. Review status: criteria provided, multiple submitters, no conflicts (2 of 4 stars). 4 submissions from 4 submitters: Benign (1); Likely benign (3). Last evaluated 2026-01-02.

Conditions:
COG1 congenital disorder of glycosylation (CDG2G). Also called: CDG IIg; CDGII/COG1 CEREBROCOSTOMANDIBULAR-LIKE SYNDROME; CONGENITAL DISORDER OF GLYCOSYLATION, TYPE IIg. Identifiers: Orphanet 263508, MedGen C2931011, MONDO:0012637, OMIM 611209.

Allele frequency attached by ClinVar (database versions not stated): gnomAD exomes 0.00052 and 0.00137; ExAC 0.00160; 1000 Genomes Project 0.00439; ESP Exome Variant Server 0.00446; gnomAD 0.00505 and 0.00545; 1000 Genomes Project 30x 0.00547; TOPMed 0.00553.
gnomAD v4.1: 1,586 of 1,613,850 alleles (0.098%); highest among the groups gnomAD compares: African/African-American, 1.6%; 12 homozygotes.

Submissions (4):

Labcorp Genetics (formerly Invitae), Labcorp
Classification: Benign for COG1 congenital disorder of glycosylation. Last evaluated: 2026-01-02. Review status: criteria provided, single submitter. Criteria: Invitae Variant Classification Sherloc (09022015). Collection method: clinical testing. Allele origin: germline.

Illumina Laboratory Services, Illumina
Classification: Likely benign for COG1 congenital disorder of glycosylation. Last evaluated: 2018-01-13. Review status: criteria provided, single submitter. Criteria: ICSL Variant Classification Criteria 13 December 2019. Collection method: clinical testing. Allele origin: germline.
Comment: This variant was observed in the ICSL laboratory as part of a predisposition screen in an ostensibly healthy population. It had not been previously curated by ICSL or reported in the Human Gene Mutation Database (HGMD: prior to June 1st, 2018), and was therefore a candidate for classification through an automated scoring system. Utilizing variant allele frequency, disease prevalence and penetrance estimates, and inheritance mode, an automated score was calculated to assess if this variant is too frequent to cause the disease. Based on the score and internal cut-off values, a variant classified as likely benign is not then subjected to further curation. The score for this variant resulted in a classification of likely benign for this disease.

Center for Pediatric Genomic Medicine, Children's Mercy Hospital and Clinics
Classification: Likely benign. Last evaluated: 2016-09-02. Review status: criteria provided, single submitter. Criteria: ACMG Guidelines, 2015. Collection method: clinical testing. Allele origin: germline.
ClinVar note: Converted during submission from Likely Benign to Likely benign.

Breakthrough Genomics
Classification: Likely benign. Review status: criteria provided, single submitter. Criteria: ACMG Guidelines, 2015. Collection method: not provided. Allele origin: germline. Inheritance: Autosomal recessive inheritance. Affected: yes.